The following is an entry in ClinVar:

NM_014008.5(CCDC22):c.1058C>T (p.Ala353Val)

Gene: CCDC22 (CCC complex scaffolding subunit CCDC22; plus strand). Cytogenetic location: Xp11.23.
Variant type: single nucleotide variant.
Coding change: c.1058C>T on transcript NM_014008.5 (MANE Select); coding-DNA position 1058, C replaced by T.
Protein change: p.Ala353Val; replaces alanine 353 with valine.
Molecular consequence: missense variant.
Genome position (GRCh38, 1-based): chrX:49,247,734, C>T. VCF-style: chrX-49247734-C-T. GRCh37 (hg19) VCF-style: chrX-49104195-C-T.
Other names: short protein forms A353V.
Identifiers: ClinVar variation 3361769 (VCV003361769.1).

ClinVar aggregate classification (germline): Uncertain significance (1 of 4 stars; one submission).

Submission:

GeneDx
Classification: Uncertain significance. Last evaluated: 2023-07-31. Review status: criteria provided, single submitter. Criteria: GeneDx Variant Classification Process June 2021. Collection method: clinical testing. Allele origin: germline. Affected: yes.
Comment: Not observed at significant frequency in large population cohorts (gnomAD); In silico analysis supports that this missense variant does not alter protein structure/function; Has not been previously published as pathogenic or benign to our knowledge